The following is an entry in ClinVar:

ClinVar aggregate classification (germline): Uncertain significance (1 of 4 stars; one submission).

Submission:

Labcorp Genetics (formerly Invitae), Labcorp
Classification: Uncertain significance. Last evaluated: 2021-04-16. Review status: criteria provided, single submitter. Criteria: Invitae Variant Classification Sherloc (09022015). Collection method: clinical testing. Allele origin: germline.
Comment: In summary, the available evidence is currently insufficient to determine the role of this variant in disease. Therefore, it has been classified as a Variant of Uncertain Significance. Algorithms developed to predict the effect of sequence changes on RNA splicing suggest that this variant may create or strengthen a splice site, but this prediction has not been confirmed by published transcriptional studies. This variant has been observed in individual(s) with clinical features of primary ciliary dyskinesia (Invitae). This variant is not present in population databases (ExAC no frequency). This sequence change affects codon 106 of the DNAAF4 mRNA. It is a 'silent' change, meaning that it does not change the encoded amino acid sequence of the DNAAF4 protein.

NM_130810.4(DNAAF4):c.318A>G (p.Gln106=)

Genes: DNAAF4 (dynein axonemal assembly factor 4; minus strand), DNAAF4-CCPG1 (DNAAF4-CCPG1 readthrough (NMD candidate); minus strand). Cytogenetic location: 15q21.3.
Variant type: single nucleotide variant.
Coding change: c.318A>G on transcript NM_130810.4 (MANE Select); coding-DNA position 318, A replaced by G.
Protein change: p.Gln106=; no amino-acid change (glutamine 106 retained).
Molecular consequence: synonymous variant. On other transcripts: non-coding transcript variant (1).
Genome position (GRCh38, 1-based): chr15:55,491,210, T>C on the plus strand (A>G on the coding strand, the complement: DNAAF4 is on the minus strand). VCF-style: chr15-55491210-T-C. GRCh37 (hg19) VCF-style: chr15-55783408-T-C.
Other names: c.318A>G, p.Gln106= (NM_001033559.3, NM_001033560.2).
Identifiers: ClinVar variation 574539 (VCV000574539.8), dbSNP rs1567033085, ClinGen allele CA490434433.
Genomic context (GRCh38, chr15:55,491,210, plus strand): 5'-TTGATCTTCCCGCTTTGCTGCAGCTTTTGCTTCTGTAGCTTCTTTTGCTCTCTCTTGTGC[T>C]TGTAAAATAGATTTTTCTCTAATTCTTTGCATCATCTCTTTGTCAACTAAAATGTACAGA-3'
Protein context (NP_570722.2, residues 96-116): MQRIREKSIL[Gln106=]AQERAKEATE